The following is an entry in ClinVar:

NM_021224.6(ZNF462):c.1418A>G (p.Asp473Gly)

Gene: ZNF462 (zinc finger protein 462; plus strand). Cytogenetic location: 9q31.2.
Variant type: single nucleotide variant.
Coding change: c.1418A>G on transcript NM_021224.6 (MANE Select); coding-DNA position 1418, A replaced by G.
Protein change: p.Asp473Gly; replaces aspartic acid 473 with glycine.
Molecular consequence: missense variant.
Genome position (GRCh38, 1-based): chr9:106,925,330, A>G. VCF-style: chr9-106925330-A-G. GRCh37 (hg19) VCF-style: chr9-109687611-A-G.
Other names: c.1418A>G, p.Asp473Gly (NM_001347997.2); short protein forms D473G.
Identifiers: ClinVar variation 3775001 (VCV003775001.1).
Genomic context (GRCh38, chr9:106,925,330, plus strand): 5'-GCATCTCTCGTCACATAGAAAACATCCACTTATCTGGAAAGACAGCTGTCTACAAATGTG[A>G]CGAATGTCCGTTTACTTGCAAGAGCTCGTTGAAACTTGGGGCTCACAAACAGTGTCACAC-3'
Protein context (NP_067047.4, residues 463-483): LSGKTAVYKC[Asp473Gly]ECPFTCKSSL

ClinVar aggregate classification (germline): Uncertain significance (1 of 4 stars; one submission).

Submission:

GeneDx
Classification: Uncertain significance. Last evaluated: 2024-09-27. Review status: criteria provided, single submitter. Criteria: GeneDx Variant Classification Process June 2021. Collection method: clinical testing. Allele origin: germline. Affected: yes.
Comment: Not observed at significant frequency in large population cohorts (gnomAD); In silico analysis supports that this missense variant has a deleterious effect on protein structure/function; Has not been previously published as pathogenic or benign to our knowledge